The following is an entry in ClinVar:

NM_020680.4(SCYL1):c.1103G>A (p.Arg368His)

Gene: SCYL1 (SCY1 like pseudokinase 1; plus strand). Cytogenetic location: 11q13.1.
Variant type: single nucleotide variant.
Coding change: c.1103G>A on transcript NM_020680.4 (MANE Select); coding-DNA position 1103, G replaced by A.
Protein change: p.Arg368His; replaces arginine 368 with histidine.
Molecular consequence: missense variant.
Genome position (GRCh38, 1-based): chr11:65,531,670, G>A. VCF-style: chr11-65531670-G-A. GRCh37 (hg19) VCF-style: chr11-65299141-G-A.
Other names: c.1103G>A, p.Arg368His (NM_001048218.2); short protein forms R368H.
Identifiers: ClinVar variation 721758 (VCV000721758.10), dbSNP rs187644314, ClinGen allele CA6099701.

ClinVar aggregate classification (germline): Likely benign. Review status: criteria provided, single submitter (1 of 4 stars). 2 submissions from 2 submitters: Likely benign (1). 1 of the submissions does not count toward it. Last evaluated 2026-01-17.

Conditions:
SCYL1-related disorder. Also called: SCYL1-related condition.

Allele frequency attached by ClinVar (database versions not stated): gnomAD 0.00102; TOPMed 0.00196; ESP Exome Variant Server 0.00203; 1000 Genomes Project 0.00220; 1000 Genomes Project 30x 0.00234.
gnomAD v4.1: 567 of 1,612,674 alleles (0.035%); highest among the groups gnomAD compares: African/African-American, 0.57%; 5 homozygotes.

Submissions (2):

Labcorp Genetics (formerly Invitae), Labcorp
Classification: Likely benign. Last evaluated: 2026-01-17. Review status: criteria provided, single submitter. Criteria: Invitae Variant Classification Sherloc (09022015). Collection method: clinical testing. Allele origin: germline.

PreventionGenetics, part of Exact Sciences
Classification: Likely benign for SCYL1-related condition. Last evaluated: 2020-07-27. Review status: no assertion criteria provided. Collection method: clinical testing. Allele origin: germline. Not counted in ClinVar's aggregate classification.
Comment: This variant is classified as likely benign based on ACMG/AMP sequence variant interpretation guidelines (Richards et al. 2015 PMID: 25741868, with internal and published modifications).